The following is an entry in ClinVar:

ClinVar aggregate classification (germline): Uncertain significance. Review status: criteria provided, multiple submitters, no conflicts (2 of 4 stars). 2 submissions from 2 submitters: Uncertain significance (2). Last evaluated 2025-03-12.

Conditions:
Hereditary cancer-predisposing syndrome. Also called: Tumor predisposition; Neoplastic Syndromes, Hereditary; Hereditary Cancer Syndrome; Hereditary neoplastic syndrome. Identifiers: Orphanet 140162, MedGen C0027672, MeSH D009386, MONDO:0015356.
Hereditary nonpolyposis colorectal neoplasms. Identifiers: MedGen C0009405, MeSH D003123.

Submissions (2):

Labcorp Genetics (formerly Invitae), Labcorp
Classification: Uncertain significance for Hereditary nonpolyposis colorectal neoplasms. Last evaluated: 2025-03-12. Review status: criteria provided, single submitter. Criteria: Invitae Variant Classification Sherloc (09022015). Collection method: clinical testing. Allele origin: germline.
Comment: This sequence change replaces methionine, which is neutral and non-polar, with leucine, which is neutral and non-polar, at codon 1202 of the MSH6 protein (p.Met1202Leu). This variant is not present in population databases (gnomAD no frequency). This variant has not been reported in the literature in individuals affected with MSH6-related conditions. ClinVar contains an entry for this variant (Variation ID: 2008580). Invitae Evidence Modeling of protein sequence and biophysical properties (such as structural, functional, and spatial information, amino acid conservation, physicochemical variation, residue mobility, and thermodynamic stability) indicates that this missense variant is not expected to disrupt MSH6 protein function with a negative predictive value of 95%. In summary, the available evidence is currently insufficient to determine the role of this variant in disease. Therefore, it has been classified as a Variant of Uncertain Significance.

Ambry Genetics
Classification: Uncertain significance for Hereditary cancer-predisposing syndrome. Last evaluated: 2025-01-06. Review status: criteria provided, single submitter. Criteria: Ambry Variant Classification Scheme 2023. Collection method: clinical testing. Allele origin: germline.
Comment: The p.M1202L variant (also known as c.3604A>C), located in coding exon 7 of the MSH6 gene, results from an A to C substitution at nucleotide position 3604. The methionine at codon 1202 is replaced by leucine, an amino acid with highly similar properties. This amino acid position is conserved. In addition, this alteration is predicted to be tolerated by in silico analysis. Based on the available evidence, the clinical significance of this variant remains unclear.

NM_000179.3(MSH6):c.3604A>C (p.Met1202Leu)

Gene: MSH6 (mutS homolog 6; plus strand). Cytogenetic location: 2p16.3.
Variant type: single nucleotide variant.
Coding change: c.3604A>C on transcript NM_000179.3 (MANE Select); coding-DNA position 3604, A replaced by C.
Protein change: p.Met1202Leu; replaces methionine 1202 with leucine.
Molecular consequence: missense variant.
Genome position (GRCh38, 1-based): chr2:47,805,665, A>C. VCF-style: chr2-47805665-A-C. GRCh37 (hg19) VCF-style: chr2-48032804-A-C.
Other names: c.3214A>C, p.Met1072Leu (NM_001281492.2); c.2698A>C, p.Met900Leu (NM_001281493.2, NM_001281494.2, NM_001406811.1 and 6 more transcripts); c.3700A>C, p.Met1234Leu (NM_001406795.1, NM_001406802.1); c.3604A>C, p.Met1202Leu (NM_001406796.1, NM_001406800.1, NM_001406808.1 and 1 more transcripts); c.3307A>C, p.Met1103Leu (NM_001406797.1, NM_001406801.1, NM_001406805.1 and 10 more transcripts); c.3430A>C, p.Met1144Leu (NM_001406798.1); c.3079A>C, p.Met1027Leu (NM_001406799.1, NM_001406806.1, NM_001406807.1); c.2740A>C, p.Met914Leu (NM_001406803.1); and 7 more; short protein forms M1202L, M1234L, M129L, M151L, M517L, M680L, M1146L, M914L.
Identifiers: ClinVar variation 2008580 (VCV002008580.5), dbSNP rs369778514, ClinGen allele CA346760557.